The following is an entry in ClinVar:

NM_001009944.3(PKD1):c.9359A>G (p.Tyr3120Cys)

Gene: PKD1 (polycystin 1, transient receptor potential channel interacting; minus strand). Cytogenetic location: 16p13.3.
Variant type: single nucleotide variant.
Coding change: c.9359A>G on transcript NM_001009944.3 (MANE Select); coding-DNA position 9359, A replaced by G.
Protein change: p.Tyr3120Cys; replaces tyrosine 3120 with cysteine.
Molecular consequence: missense variant.
Genome position (GRCh38, 1-based): chr16:2,102,099, T>C on the plus strand (A>G on the coding strand, the complement: PKD1 is on the minus strand). VCF-style: chr16-2102099-T-C. GRCh37 (hg19) VCF-style: chr16-2152100-T-C.
Other names: c.9359A>G, p.Tyr3120Cys (NM_000296.4); short protein forms Y3120C.
Identifiers: ClinVar variation 3028936 (VCV003028936.2), dbSNP rs2544730073, ClinGen allele CA394357740.

ClinVar aggregate classification (germline): Uncertain significance (0 of 4 stars; one submission).

Conditions:
PKD1-related disorder. Also called: PKD1-related condition.

Submission:

PreventionGenetics, part of Exact Sciences
Classification: Uncertain significance for PKD1-related condition. Last evaluated: 2024-01-20. Review status: no assertion criteria provided. Collection method: clinical testing. Allele origin: germline.
Comment: The PKD1 c.9359A>G variant is predicted to result in the amino acid substitution p.Tyr3120Cys. To our knowledge, this variant has not been reported in the literature or in a large population database, indicating this variant is rare. Of note, at PreventionGenetics, we have found this variant in the heterozygous status in three presumably unrelated patients tested for polycystic kidney disease. We suspect this variant is pathogenic. At this time, however, the clinical significance of this variant is uncertain due to the absence of conclusive functional and genetic evidence.